The following is an entry in ClinVar:

NM_000531.6(OTC):c.785C>T (p.Thr262Ile)

Gene: OTC (ornithine transcarbamylase; plus strand). Cytogenetic location: Xp11.4.
Variant type: single nucleotide variant.
Coding change: c.785C>T on transcript NM_000531.6 (MANE Select); coding-DNA position 785, C replaced by T.
Protein change: p.Thr262Ile; replaces threonine 262 with isoleucine.
Molecular consequence: missense variant.
Genome position (GRCh38, 1-based): chrX:38,408,943, C>T. VCF-style: chrX-38408943-C-T. GRCh37 (hg19) VCF-style: chrX-38268196-C-T.
Other names: short protein forms T262I.
Identifiers: ClinVar variation 97323 (VCV000097323.4), dbSNP rs67333670, ClinGen allele CA224785.

ClinVar aggregate classification (germline): Likely pathogenic. Review status: criteria provided, single submitter (1 of 4 stars). 2 submissions from 2 submitters: Likely pathogenic (1). 1 of the submissions does not count toward it. Last evaluated 2025-07-02.

Submissions (2):

GeneDx
Classification: Likely pathogenic. Last evaluated: 2025-07-02. Review status: criteria provided, single submitter. Criteria: GeneDx Variant Classification Process June 2021. Collection method: clinical testing. Allele origin: germline.
Comment: Not observed at significant frequency in large population cohorts (gnomAD); In silico analysis supports that this missense variant has a deleterious effect on protein structure/function; This variant is associated with the following publications: (PMID: 21644234, 16786505, 28266016, 32569589, 37146589)

GenMed Metabolism Lab
Classification: Pathogenic. Review status: no assertion criteria provided. Collection method: not provided. Allele origin: unknown. Not counted in ClinVar's aggregate classification.
Comment: p.Thr262Ile, Late, History not known
ClinVar note: Converted during submission from pathogenic to Pathogenic.